The following is an entry in ClinVar:

ClinVar aggregate classification (germline): Benign/Likely benign. Review status: criteria provided, multiple submitters, no conflicts (2 of 4 stars). 2 submissions from 2 submitters: Benign (1); Likely benign (1). Last evaluated 2026-04-27.

Conditions:
Colorectal cancer, susceptibility to, 1. Also called: COLORECTAL ADENOMA AND CANCER, SUSCEPTIBILITY TO; COLORECTAL CANCER, SUSCEPTIBILITY TO, ON CHROMOSOME 9. Identifiers: MedGen C1837315, MONDO:0012132, OMIM 608812.

Allele frequency attached by ClinVar (database versions not stated): gnomAD exomes below 0.00001; ExAC 0.00001.
gnomAD v4.1: 1 of 1,614,192 alleles (0.000062%); highest among the groups gnomAD compares: Non-Finnish European, 0.000085%; no homozygotes.

Submissions (2):

Myriad Genetics, Inc.
Classification: Benign for Colorectal cancer, susceptibility to, 1. Last evaluated: 2026-04-27. Review status: criteria provided, single submitter. Criteria: Myriad Autosomal Dominant, Autosomal Recessive and X-Linked Classification Criteria (2023). Collection method: clinical testing. Allele origin: unknown.
Comment: This variant is considered benign. This variant is a silent/synonymous amino acid change and it is not expected to impact splicing.

Ambry Genetics
Classification: Likely benign. Last evaluated: 2019-05-20. Review status: criteria provided, single submitter. Criteria: Ambry Variant Classification Scheme 2023. Collection method: clinical testing. Allele origin: germline.

NM_024642.5(GALNT12):c.1254C>T (p.Asp418=)

Gene: GALNT12 (polypeptide N-acetylgalactosaminyltransferase 12; plus strand). Cytogenetic location: 9q22.33.
Variant type: single nucleotide variant.
Coding change: c.1254C>T on transcript NM_024642.5 (MANE Select); coding-DNA position 1254, C replaced by T.
Protein change: p.Asp418=; no amino-acid change (aspartic acid 418 retained).
Molecular consequence: synonymous variant.
Genome position (GRCh38, 1-based): chr9:98,840,043, C>T. VCF-style: chr9-98840043-C-T. GRCh37 (hg19) VCF-style: chr9-101602325-C-T.
Identifiers: ClinVar variation 1761453 (VCV001761453.3), dbSNP rs760018096, ClinGen allele CA5154215.